The following is an entry in ClinVar:

NM_001136035.4(TRMT1):c.583C>T (p.Arg195Trp)

Gene: TRMT1 (tRNA methyltransferase 1; minus strand). Cytogenetic location: 19p13.13.
Variant type: single nucleotide variant.
Coding change: c.583C>T on transcript NM_001136035.4 (MANE Select); coding-DNA position 583, C replaced by T.
Protein change: p.Arg195Trp; replaces arginine 195 with tryptophan.
Molecular consequence: missense variant. On other transcripts: 5 prime UTR variant (1).
Genome position (GRCh38, 1-based): chr19:13,115,337, G>A on the plus strand (C>T on the coding strand, the complement: TRMT1 is on the minus strand). VCF-style: chr19-13115337-G-A. GRCh37 (hg19) VCF-style: chr19-13226151-G-A.
Other names: c.583C>T, p.Arg195Trp (NM_001142554.3, NM_001351760.2, NM_017722.5); c.475C>T, p.Arg159Trp (NM_001351761.2); c.-188C>T (NM_001351762.2); c.583C>T (NM_001136035.3); short protein forms R159W, R195W.
Identifiers: ClinVar variation 1029140 (VCV001029140.5), dbSNP rs1006351159, ClinGen allele CA305531815.

ClinVar aggregate classification (germline): Uncertain significance. Review status: criteria provided, multiple submitters, no conflicts (2 of 4 stars). 3 submissions from 3 submitters: Uncertain significance (3). Last evaluated 2021-05-06.

Conditions:
Intellectual developmental disorder, autosomal recessive 68. Also called: MENTAL RETARDATION, AUTOSOMAL RECESSIVE 68. Identifiers: MedGen C4749033, MONDO:0032665, OMIM 618302.

Allele frequency attached by ClinVar (database versions not stated): gnomAD exomes below 0.00001; TOPMed 0.00001.

Submissions (3):

Revvity Omics, Revvity
Classification: Uncertain significance for Intellectual developmental disorder, autosomal recessive 68. Last evaluated: 2021-05-06. Review status: criteria provided, single submitter. Criteria: ACMG Guidelines, 2015. Collection method: clinical testing. Allele origin: germline.

Baylor Genetics
Classification: Uncertain significance for Intellectual developmental disorder, autosomal recessive 68. Last evaluated: 2020-07-27. Review status: criteria provided, single submitter. Criteria: ACMG Guidelines, 2015. Collection method: clinical testing. Allele origin: unknown. Affected: yes.
Comment: This variant was determined to be of uncertain significance according to ACMG Guidelines, 2015 [PMID:25741868].

GeneDx
Classification: Uncertain significance. Last evaluated: 2020-01-18. Review status: criteria provided, single submitter. Criteria: GeneDx Variant Classification Process June 2021. Collection method: clinical testing. Allele origin: germline. Affected: yes.
Comment: In silico analysis supports that this missense variant has a deleterious effect on protein structure/function; Has not been previously published as pathogenic or benign to our knowledge